The following is an entry in ClinVar:

NM_001164508.2(NEB):c.20939C>T (p.Thr6980Met)

Gene: NEB (nebulin; minus strand). Cytogenetic location: 2q23.3.
Variant type: single nucleotide variant.
Coding change: c.20939C>T on transcript NM_001164508.2 (MANE Select); coding-DNA position 20939, C replaced by T.
Protein change: p.Thr6980Met; replaces threonine 6980 with methionine.
Molecular consequence: missense variant.
Genome position (GRCh38, 1-based): chr2:151,538,198, G>A on the plus strand (C>T on the coding strand, the complement: NEB is on the minus strand). VCF-style: chr2-151538198-G-A. GRCh37 (hg19) VCF-style: chr2-152394712-G-A.
Other names: c.15836C>T (NM_004543.4); c.20939C>T, p.Thr6980Met (NM_001164507.2, NM_001271208.2); c.15836C>T, p.Thr5279Met (NM_004543.5); short protein forms T5279M, T6980M.
Identifiers: ClinVar variation 1176746 (VCV001176746.42), dbSNP rs776806977, ClinGen allele CA1907128.
Genomic context (GRCh38, chr2:151,538,198, plus strand): 5'-ACTTTACTGATGTCATCTGTGACTTTGCGATGATAGACAATGTCTAGGGCATCTTTCACC[G>A]TGTGGTATTTCCCTTTGGTCTTTTGAAATGTTTCTTTGTAGCGTAGCTAGAAAGAGAAAA-3'
Protein context (NP_001157980.2, residues 6970-6990): TFQKTKGKYH[Thr6980Met]VKDALDIVYH

ClinVar aggregate classification (germline): Conflicting classifications of pathogenicity. Review status: criteria provided, conflicting classifications (1 of 4 stars). 3 submissions from 3 submitters: Uncertain significance (2); Likely benign (1). Last evaluated 2025-12-04.

Conditions:
Inborn genetic diseases. Identifiers: MedGen C0950123, MeSH D030342.
Nemaline myopathy 2 (NEM2). Also called: Nemaline myopathy 2, autosomal recessive. Identifiers: MedGen C1850569, MONDO:0009725, OMIM 256030.

Allele frequency attached by ClinVar (database versions not stated): gnomAD 0.00001; gnomAD exomes 0.00001 and 0.00003; ExAC 0.00002; TOPMed 0.00003.
gnomAD v4.1: 22 of 1,613,028 alleles (0.0014%); highest among the groups gnomAD compares: East Asian, 0.0045%; no homozygotes.

Submissions (3):

Ambry Genetics
Classification: Uncertain significance for Inborn genetic diseases. Last evaluated: 2025-12-04. Review status: criteria provided, single submitter. Criteria: Ambry Variant Classification Scheme 2023. Collection method: clinical testing. Allele origin: germline.
Comment: The c.15836C>T (p.T5279M) alteration is located in exon 112 (coding exon 110) of the NEB gene. This alteration results from a C to T substitution at nucleotide position 15836, causing the threonine (T) at amino acid position 5279 to be replaced by a methionine (M). Based on data from gnomAD, the T allele has an overall frequency of 0.003% (8/248898) total alleles studied. The highest observed frequency was 0.017% (1/6036) of Other alleles. Based on insufficient or conflicting evidence, the clinical significance of this alteration remains unclear.

Labcorp Genetics (formerly Invitae), Labcorp
Classification: Likely benign for Nemaline myopathy 2. Last evaluated: 2025-11-10. Review status: criteria provided, single submitter. Criteria: Invitae Variant Classification Sherloc (09022015). Collection method: clinical testing. Allele origin: germline.

CeGaT Center for Human Genetics Tuebingen
Classification: Uncertain significance. Last evaluated: 2021-03-01. Review status: criteria provided, single submitter. Criteria: CeGaT Center For Human Genetics Tuebingen Variant Classification Criteria Version 2. Collection method: clinical testing. Allele origin: germline. Affected: yes. Observed: 1 variant allele.